The following is an entry in ClinVar:

NM_014874.4(MFN2):c.592A>T (p.Met198Leu)

Gene: MFN2 (mitofusin 2; plus strand). Cytogenetic location: 1p36.22.
Variant type: single nucleotide variant.
Coding change: c.592A>T on transcript NM_014874.4 (MANE Select); coding-DNA position 592, A replaced by T.
Protein change: p.Met198Leu; replaces methionine 198 with leucine.
Molecular consequence: missense variant.
Genome position (GRCh38, 1-based): chr1:11,997,414, A>T. VCF-style: chr1-11997414-A-T. GRCh37 (hg19) VCF-style: chr1-12057471-A-T.
Other names: c.592A>T, p.Met198Leu (NM_001127660.2); short protein forms M198L.
Identifiers: ClinVar variation 642940 (VCV000642940.8), dbSNP rs1569835123, ClinGen allele CA338437056.

ClinVar aggregate classification (germline): Uncertain significance (1 of 4 stars; one submission).

Conditions:
Charcot-Marie-Tooth disease type 2. Also called: Charcot-Marie-Tooth type 2. Identifiers: Orphanet 64746, MedGen C0270914, MONDO:0018993.

Submission:

Labcorp Genetics (formerly Invitae), Labcorp
Classification: Uncertain significance for Charcot-Marie-Tooth disease type 2. Last evaluated: 2023-06-30. Review status: criteria provided, single submitter. Criteria: Invitae Variant Classification Sherloc (09022015). Collection method: clinical testing. Allele origin: germline.
Comment: This sequence change replaces methionine, which is neutral and non-polar, with leucine, which is neutral and non-polar, at codon 198 of the MFN2 protein (p.Met198Leu). This variant is not present in population databases (gnomAD no frequency). This missense change has been observed in individual(s) with autosomal recessive Charcot-Marie-Tooth disease (Invitae). In at least one individual the data is consistent with being in trans (on the opposite chromosome) from a pathogenic variant. It has also been observed to segregate with disease in related individuals. ClinVar contains an entry for this variant (Variation ID: 642940). Advanced modeling of protein sequence and biophysical properties (such as structural, functional, and spatial information, amino acid conservation, physicochemical variation, residue mobility, and thermodynamic stability) has been performed at Invitae for this missense variant, however the output from this modeling did not meet the statistical confidence thresholds required to predict the impact of this variant on MFN2 protein function. In summary, the available evidence is currently insufficient to determine the role of this variant in disease. Therefore, it has been classified as a Variant of Uncertain Significance.